The following is an entry in ClinVar:

NM_006904.7(PRKDC):c.5366G>A (p.Gly1789Asp)

Gene: PRKDC (protein kinase, DNA-activated, catalytic subunit; minus strand). Cytogenetic location: 8q11.21.
Variant type: single nucleotide variant.
Coding change: c.5366G>A on transcript NM_006904.7 (MANE Select); coding-DNA position 5366, G replaced by A.
Protein change: p.Gly1789Asp; replaces glycine 1789 with aspartic acid.
Molecular consequence: missense variant.
Genome position (GRCh38, 1-based): chr8:47,864,761, C>T on the plus strand (G>A on the coding strand, the complement: PRKDC is on the minus strand). VCF-style: chr8-47864761-C-T. GRCh37 (hg19) VCF-style: chr8-48777322-C-T.
Other names: c.5366G>A, p.Gly1789Asp (NM_001081640.2); short protein forms G1789D.
Identifiers: ClinVar variation 3694599 (VCV003694599.2).

ClinVar aggregate classification (germline): Uncertain significance (1 of 4 stars; one submission).

Conditions:
Severe combined immunodeficiency due to DNA-PKcs deficiency. Also called: IMMUNODEFICIENCY 26 WITH NEUROLOGIC ABNORMALITIES; Immunodeficiency 26 with or without neurologic abnormalities. Identifiers: Orphanet 317425, MedGen C4014833, MONDO:0014423, OMIM 615966.

gnomAD v4.1: 2 of 1,573,964 alleles (0.00013%); highest among the groups gnomAD compares: Non-Finnish European, 0.00017%; no homozygotes.

Submission:

Labcorp Genetics (formerly Invitae), Labcorp
Classification: Uncertain significance for Severe combined immunodeficiency due to DNA-PKcs deficiency. Last evaluated: 2025-10-02. Review status: criteria provided, single submitter. Criteria: Invitae Variant Classification Sherloc (09022015). Collection method: clinical testing. Allele origin: germline.
Comment: This sequence change replaces glycine, which is neutral and non-polar, with aspartic acid, which is acidic and polar, at codon 1789 of the PRKDC protein (p.Gly1789Asp). This variant is not present in population databases (gnomAD no frequency). This variant has not been reported in the literature in individuals affected with PRKDC-related conditions. ClinVar contains an entry for this variant (Variation ID: 3694599). Experimental studies and prediction algorithms are not available or were not evaluated, and the functional significance of this variant is currently unknown. In summary, the available evidence is currently insufficient to determine the role of this variant in disease. Therefore, it has been classified as a Variant of Uncertain Significance.